The following is an entry in ClinVar:

NC_000023.10:g.(?_32235013)_(32614013_?)del

Gene: DMD (dystrophin; minus strand). Cytogenetic location: Xp21.1.
Variant type: Deletion.
Identifiers: ClinVar variation 3244695 (VCV003244695.1).

ClinVar aggregate classification (germline): Pathogenic (1 of 4 stars; one submission).

Conditions:
Duchenne muscular dystrophy (DMD). Also called: MUSCULAR DYSTROPHY, PSEUDOHYPERTROPHIC PROGRESSIVE, DUCHENNE TYPE; Duchenne Muscular Dystrophy (DMD). Identifiers: Orphanet 98896, MedGen C0013264, MONDO:0010679, OMIM 310200.

Submission:

Labcorp Genetics (formerly Invitae), Labcorp
Classification: Pathogenic for Duchenne muscular dystrophy. Last evaluated: 2023-07-09. Review status: criteria provided, single submitter. Criteria: Invitae Variant Classification Sherloc (09022015). Collection method: clinical testing. Allele origin: unknown.
Comment: This variant is a gross deletion of the genomic region encompassing exon(s) 13-44 of the DMD gene. This variant would be expected to be in-frame, preserving the integrity of the reading frame. A similar copy number variant has been observed in individuals with Becker muscular dystrophy (PMID: 8543940, 14571009, 18055393, 19084397). For these reasons, this variant has been classified as Pathogenic.

Literature cited by the submitters: PubMed 8543940; PubMed 14571009; PubMed 18055393; PubMed 19084397.